The following is an entry in ClinVar:

NM_001303256.3(MORC2):c.1357G>A (p.Asp453Asn)

Gene: MORC2 (MORC family CW-type zinc finger 2; minus strand). Cytogenetic location: 22q12.2.
Variant type: single nucleotide variant.
Coding change: c.1357G>A on transcript NM_001303256.3 (MANE Select); coding-DNA position 1357, G replaced by A.
Protein change: p.Asp453Asn; replaces aspartic acid 453 with asparagine.
Molecular consequence: missense variant.
Genome position (GRCh38, 1-based): chr22:30,937,827, C>T on the plus strand (G>A on the coding strand, the complement: MORC2 is on the minus strand). VCF-style: chr22-30937827-C-T. GRCh37 (hg19) VCF-style: chr22-31333814-C-T.
Other names: c.1357G>A, p.Asp453Asn (NM_001303257.2); c.1171G>A, p.Asp391Asn (NM_014941.3); short protein forms D391N, D453N.
Identifiers: ClinVar variation 1042403 (VCV001042403.3), dbSNP rs1007541711, ClinGen allele CA323276479.
Genomic context (GRCh38, chr22:30,937,827, plus strand): 5'-ATTCAGGTGAAGAGAAAAGGCAGAGGCCCAGCAGCCCAGCCCCATTACCGATGGCAATAT[C>T]CTTCCAATACTGCGCCAGGTGCTCCCCCATTGCTCGGAGCAGGTGCCGGTACTCCTTGGC-3'
Protein context (NP_001290185.1, residues 443-463): MGEHLAQYWK[Asp453Asn]IAIAQRGIIK

ClinVar aggregate classification (germline): Uncertain significance (1 of 4 stars; one submission).

Conditions:
Charcot-Marie-Tooth disease axonal type 2Z. Also called: CHARCOT-MARIE-TOOTH DISEASE, AXONAL, AUTOSOMAL DOMINANT, TYPE 2Z; CHARCOT-MARIE-TOOTH NEUROPATHY, TYPE 2Z. Identifiers: Orphanet 466768, MedGen C5569025, MONDO:0014736, OMIM 616688.

Allele frequency attached by ClinVar (database versions not stated): TOPMed 0.00002; gnomAD exomes 0.00001 and 0.00002; gnomAD 0.00001.
gnomAD v4.1: 37 of 1,614,030 alleles (0.0023%); highest among the groups gnomAD compares: Non-Finnish European, 0.0031%; no homozygotes.

Submission:

Labcorp Genetics (formerly Invitae), Labcorp
Classification: Uncertain significance for Charcot-Marie-Tooth disease axonal type 2Z. Last evaluated: 2025-12-23. Review status: criteria provided, single submitter. Criteria: Invitae Variant Classification Sherloc (09022015). Collection method: clinical testing. Allele origin: germline.
Comment: This sequence change replaces aspartic acid, which is acidic and polar, with asparagine, which is neutral and polar, at codon 453 of the MORC2 protein (p.Asp453Asn). This variant is present in population databases (no rsID available, gnomAD 0.002%). This variant has not been reported in the literature in individuals affected with MORC2-related conditions. ClinVar contains an entry for this variant (Variation ID: 1042403). Invitae Evidence Modeling of protein sequence and biophysical properties (such as structural, functional, and spatial information, amino acid conservation, physicochemical variation, residue mobility, and thermodynamic stability) indicates that this missense variant is expected to disrupt MORC2 protein function with a positive predictive value of 95%. In summary, the available evidence is currently insufficient to determine the role of this variant in disease. Therefore, it has been classified as a Variant of Uncertain Significance.